The following is an entry in ClinVar:

ClinVar aggregate classification (germline): Pathogenic. Review status: reviewed by expert panel (3 of 4 stars). 3 submissions from 3 submitters: Pathogenic (1). 2 of the submissions do not count toward it. Last evaluated 2016-10-18.

Conditions:
Breast-ovarian cancer, familial, susceptibility to, 2 (BROVCA2). Also called: BRCA2 Hereditary Breast and Ovarian Cancer. Identifiers: Orphanet 145, MedGen C2675520, MONDO:0012933, OMIM 612555. Disease mechanism: loss of function.

Submissions (3):

Evidence-based Network for the Interpretation of Germline Mutant Alleles (ENIGMA)
Classification: Pathogenic for Breast-ovarian cancer, familial, susceptibility to, 2. Last evaluated: 2016-10-18. Review status: reviewed by expert panel. Criteria: ENIGMA BRCA1/2 Classification Criteria (2015). Collection method: curation. Allele origin: germline.
Comment: Variant allele predicted to encode a truncated non-functional protein.

Quest Diagnostics Nichols Institute San Juan Capistrano
Classification: Pathogenic. Last evaluated: 2025-01-14. Review status: criteria provided, single submitter. Criteria: Quest Diagnostics criteria. Collection method: clinical testing. Allele origin: unknown. Not counted in ClinVar's aggregate classification.
Comment: The BRCA2 c.9182T>G (p.Leu3061*) variant causes the premature termination of BRCA2 protein synthesis. This variant has been reported in the published literature in individuals with ovarian cancer (PMID: 32211327 (2020)), prostate cancer (PMID: 31723001 (2020)), and pancreatic cancer (PMID: 30274973 (2018)). This variant has not been reported in large, multi-ethnic general populations (Genome Aggregation Database). Based on the available information, this variant is classified as pathogenic.

Consortium of Investigators of Modifiers of BRCA1/2 (CIMBA), c/o University of Cambridge
Classification: Pathogenic for Breast-ovarian cancer, familial, susceptibility to, 2. Last evaluated: 2015-10-02. Review status: criteria provided, single submitter. Criteria: CIMBA Mutation Classification guidelines May 2016. Collection method: clinical testing. Allele origin: germline. Not counted in ClinVar's aggregate classification.

Literature cited by the submitters: PubMed 29446198 (cited by Quest Diagnostics Nichols Institute San Juan Capistrano); PubMed 30274973 (cited by Quest Diagnostics Nichols Institute San Juan Capistrano); PubMed 31723001 (cited by Quest Diagnostics Nichols Institute San Juan Capistrano); PubMed 32211327 (cited by Quest Diagnostics Nichols Institute San Juan Capistrano).

NM_000059.4(BRCA2):c.9182T>G (p.Leu3061Ter)

Gene: BRCA2 (BRCA2 DNA repair associated; plus strand). Cytogenetic location: 13q13.1.
Variant type: single nucleotide variant.
Coding change: c.9182T>G on transcript NM_000059.4 (MANE Select); coding-DNA position 9182, T replaced by G.
Protein change: p.Leu3061Ter; replaces leucine 3061 with a stop codon.
Molecular consequence: nonsense.
Genome position (GRCh38, 1-based): chr13:32,380,071, T>G. VCF-style: chr13-32380071-T-G. GRCh37 (hg19) VCF-style: chr13-32954208-T-G.
Other names: 9410T>G; short protein forms L3061*.
Identifiers: ClinVar variation 267144 (VCV000267144.6), dbSNP rs80359175, ClinGen allele CA10589552.